The following is an entry in ClinVar:

ClinVar aggregate classification (germline): Pathogenic/Likely pathogenic. Review status: criteria provided, multiple submitters, no conflicts (2 of 4 stars). 2 submissions from 2 submitters: Pathogenic (1); Likely pathogenic (1). Last evaluated 2024-02-15.

Conditions:
Fanconi anemia (FA). Also called: Fanconi's anemia. Identifiers: Orphanet 84, MedGen C0015625, MeSH D005199, MONDO:0019391.
Fanconi anemia complementation group C (FANCC). Also called: FANCONI PANCYTOPENIA, TYPE 3; FACC; FANCC-Related Fanconi Anemia; Fanconi anemia, group C. Identifiers: Orphanet 84, MedGen C3468041, MONDO:0009213, OMIM 227645.

Submissions (2):

Labcorp Genetics (formerly Invitae), Labcorp
Classification: Pathogenic for Fanconi anemia. Last evaluated: 2024-02-15. Review status: criteria provided, single submitter. Criteria: Invitae Variant Classification Sherloc (09022015). Collection method: clinical testing. Allele origin: germline.
Comment: This sequence change creates a premature translational stop signal (p.Gln485Serfs*2) in the FANCC gene. It is expected to result in an absent or disrupted protein product. Loss-of-function variants in FANCC are known to be pathogenic (PMID: 17924555). This variant is not present in population databases (gnomAD no frequency). This variant has not been reported in the literature in individuals affected with FANCC-related conditions. For these reasons, this variant has been classified as Pathogenic.

Baylor Genetics
Classification: Likely pathogenic for Fanconi anemia complementation group C. Last evaluated: 2023-05-31. Review status: criteria provided, single submitter. Criteria: ACMG Guidelines, 2015. Collection method: clinical testing. Allele origin: unknown.

Literature cited by the submitters: PubMed 17924555 (cited by Labcorp Genetics (formerly Invitae), Labcorp).

NM_000136.3(FANCC):c.1453del (p.Gln485fs)

Genes: AOPEP (aminopeptidase O (putative); plus strand), FANCC (FA complementation group C; minus strand). Cytogenetic location: 9q22.32.
Variant type: Deletion.
Coding change: c.1453del on transcript NM_000136.3 (MANE Select); coding-DNA position 1453, one base deleted (C; older notation c.1453delC).
Protein change: p.Gln485fs; shifts the reading frame from glutamine 485.
Molecular consequence: frameshift variant.
Genome position (GRCh38, 1-based): chr9:95,107,146, G deleted on the plus strand (C on the coding strand, the reverse complement: FANCC is on the minus strand). VCF-style (leftmost placement, unchanged base first): chr9-95107145-TG-T. GRCh37 (hg19) VCF-style: chr9-97869427-TG-T.
Other names: c.1453del, p.Gln485fs (NM_001243743.2); short protein forms Q485fs.
Identifiers: ClinVar variation 2675468 (VCV002675468.3), dbSNP rs2540808944, ClinGen allele CA2695201595.
Genomic context (GRCh38, chr9:95,107,145, plus strand): 5'-GCGATCGTGTGGCCTCCAGGAGCCCAGAGCAGGAAGTTGAGGAGAAGGTGCCTGATCAGC[TG>T]TTGTGCAGGAGCTCTGAGGTCTGTGTCTGTGCCCTGTCCTGCTACCGTCTGCAGGTCCTG-3'